The following is an entry in ClinVar:

NM_001135649.3(FOXI3):c.915G>A (p.Met305Ile)

Gene: FOXI3 (forkhead box I3; minus strand). Cytogenetic location: 2p11.2.
Variant type: single nucleotide variant.
Coding change: c.915G>A on transcript NM_001135649.3 (MANE Select); coding-DNA position 915, G replaced by A.
Protein change: p.Met305Ile; replaces methionine 305 with isoleucine.
Molecular consequence: missense variant.
Genome position (GRCh38, 1-based): chr2:88,448,555, C>T on the plus strand (G>A on the coding strand, the complement: FOXI3 is on the minus strand). VCF-style: chr2-88448555-C-T. GRCh37 (hg19) VCF-style: chr2-88748074-C-T.
Other names: short protein forms M305I.
Identifiers: ClinVar variation 1406044 (VCV001406044.6), dbSNP rs1378255264, ClinGen allele CA347765011.

ClinVar aggregate classification (germline): Uncertain significance (1 of 4 stars; one submission).

Allele frequency attached by ClinVar (database versions not stated): gnomAD exomes below 0.00001.

Submission:

Labcorp Genetics (formerly Invitae), Labcorp
Classification: Uncertain significance. Last evaluated: 2022-11-22. Review status: criteria provided, single submitter. Criteria: Invitae Variant Classification Sherloc (09022015). Collection method: clinical testing. Allele origin: germline.
Comment: In summary, the available evidence is currently insufficient to determine the role of this variant in disease. Therefore, it has been classified as a Variant of Uncertain Significance. Experimental studies and prediction algorithms are not available or were not evaluated, and the functional significance of this variant is currently unknown. ClinVar contains an entry for this variant (Variation ID: 1406044). This variant has not been reported in the literature in individuals affected with FOXI3-related conditions. This variant is not present in population databases (gnomAD no frequency). This sequence change replaces methionine, which is neutral and non-polar, with isoleucine, which is neutral and non-polar, at codon 305 of the FOXI3 protein (p.Met305Ile).